The following is an entry in ClinVar:

ClinVar aggregate classification (germline): Uncertain significance (1 of 4 stars; one submission).

Conditions:
Lafora disease. Also called: Epilepsy progressive myoclonic 2. Identifiers: Orphanet 501, MedGen C0751783, MONDO:0009697.

Allele frequency attached by ClinVar (database versions not stated): gnomAD 0.00001.

Submission:

Labcorp Genetics (formerly Invitae), Labcorp
Classification: Uncertain significance for Lafora disease. Last evaluated: 2022-08-15. Review status: criteria provided, single submitter. Criteria: Invitae Variant Classification Sherloc (09022015). Collection method: clinical testing. Allele origin: germline.
Comment: This variant has not been reported in the literature in individuals affected with NHLRC1-related conditions. This variant is present in population databases (no rsID available, gnomAD 0.01%). This sequence change replaces threonine, which is neutral and polar, with isoleucine, which is neutral and non-polar, at codon 338 of the NHLRC1 protein (p.Thr338Ile). ClinVar contains an entry for this variant (Variation ID: 462937). In summary, the available evidence is currently insufficient to determine the role of this variant in disease. Therefore, it has been classified as a Variant of Uncertain Significance. Algorithms developed to predict the effect of missense changes on protein structure and function (SIFT, PolyPhen-2, Align-GVGD) all suggest that this variant is likely to be tolerated.

NM_198586.3(NHLRC1):c.1013C>T (p.Thr338Ile)

Gene: NHLRC1 (NHL repeat containing E3 ubiquitin protein ligase 1; minus strand). Cytogenetic location: 6p22.3.
Variant type: single nucleotide variant.
Coding change: c.1013C>T on transcript NM_198586.3 (MANE Select); coding-DNA position 1013, C replaced by T.
Protein change: p.Thr338Ile; replaces threonine 338 with isoleucine.
Molecular consequence: missense variant.
Genome position (GRCh38, 1-based): chr6:18,121,594, G>A on the plus strand (C>T on the coding strand, the complement: NHLRC1 is on the minus strand). VCF-style: chr6-18121594-G-A. GRCh37 (hg19) VCF-style: chr6-18121825-G-A.
Other names: short protein forms T338I.
Identifiers: ClinVar variation 462937 (VCV000462937.10), dbSNP rs1388505858, ClinGen allele CA362825258.